The following is an entry in ClinVar:

ClinVar aggregate classification (germline): Uncertain significance (1 of 4 stars; one submission).

Conditions:
Fanconi anemia complementation group J. Also called: BRIP1-Related Fanconi Anemia. Identifiers: Orphanet 84, MedGen C1836860, MONDO:0012187, OMIM 609054.
Familial cancer of breast. Also called: BREAST CANCER, FAMILIAL; Hereditary breast cancer; hereditary breast carcinoma. Identifiers: Orphanet 227535, MedGen C0346153, MONDO:0016419, OMIM 114480. Disease mechanism: loss of function.

Submission:

Labcorp Genetics (formerly Invitae), Labcorp
Classification: Uncertain significance for Familial cancer of breast; Fanconi anemia complementation group J. Last evaluated: 2023-08-20. Review status: criteria provided, single submitter. Criteria: Invitae Variant Classification Sherloc (09022015). Collection method: clinical testing. Allele origin: germline.
Comment: In summary, the available evidence is currently insufficient to determine the role of this variant in disease. Therefore, it has been classified as a Variant of Uncertain Significance. Advanced modeling of protein sequence and biophysical properties (such as structural, functional, and spatial information, amino acid conservation, physicochemical variation, residue mobility, and thermodynamic stability) performed at Invitae indicates that this missense variant is not expected to disrupt BRIP1 protein function. This variant has not been reported in the literature in individuals affected with BRIP1-related conditions. This variant is not present in population databases (gnomAD no frequency). This sequence change replaces phenylalanine, which is neutral and non-polar, with valine, which is neutral and non-polar, at codon 95 of the BRIP1 protein (p.Phe95Val).

NM_032043.3(BRIP1):c.283T>G (p.Phe95Val)

Gene: BRIP1 (BRCA1 interacting DNA helicase 1; minus strand). Cytogenetic location: 17q23.2.
Variant type: single nucleotide variant.
Coding change: c.283T>G on transcript NM_032043.3 (MANE Select); coding-DNA position 283, T replaced by G.
Protein change: p.Phe95Val; replaces phenylalanine 95 with valine.
Molecular consequence: missense variant.
Genome position (GRCh38, 1-based): chr17:61,857,154, A>C on the plus strand (T>G on the coding strand, the complement: BRIP1 is on the minus strand). VCF-style: chr17-61857154-A-C. GRCh37 (hg19) VCF-style: chr17-59934515-A-C.
Other names: short protein forms F95V.
Identifiers: ClinVar variation 2951144 (VCV002951144.3), dbSNP rs2145829161, ClinGen allele CA400485458.